The following is an entry in ClinVar:

ClinVar aggregate classification (germline): Likely benign. Review status: criteria provided, multiple submitters, no conflicts (2 of 4 stars). 4 submissions from 4 submitters: Likely benign (4). Last evaluated 2026-03-25.

Conditions:
Tuberous sclerosis syndrome (TSC). Also called: Tuberous Sclerosis Complex; Tuberous sclerosis. Identifiers: Orphanet 805, MedGen C0041341, MONDO:0001734.
TSC2-related disorder. Also called: TSC2-related condition; TSC2-Related Disorders.
Tuberous sclerosis 2 (TSC2). Identifiers: Orphanet 805, MedGen C1860707, MONDO:0013199, OMIM 613254.

gnomAD v4.1: 1 of 1,613,168 alleles (0.000062%); no homozygotes.

Submissions (4):

PreventionGenetics, part of Exact Sciences
Classification: Likely benign for TSC2-related condition. Last evaluated: 2026-03-25. Review status: criteria provided, single submitter. Criteria: ACMG Guidelines, 2015. Collection method: clinical testing. Allele origin: germline.
Comment: This variant is classified as likely benign based on ACMG/AMP sequence variant interpretation guidelines (Richards et al. 2015 PMID: 25741868, with internal and published modifications).

Labcorp Genetics (formerly Invitae), Labcorp
Classification: Likely benign for Tuberous sclerosis 2. Last evaluated: 2025-07-21. Review status: criteria provided, single submitter. Criteria: Invitae Variant Classification Sherloc (09022015). Collection method: clinical testing. Allele origin: germline.

Mayo Clinic Laboratories, Mayo Clinic
Classification: Likely benign. Last evaluated: 2025-01-17. Review status: criteria provided, single submitter. Criteria: ACMG Guidelines, 2015. Collection method: clinical testing. Allele origin: germline. Observed: 1 variant allele.
Comment: BP4, BP7

All of Us Research Program, National Institutes of Health
Classification: Likely benign for Tuberous sclerosis syndrome. Last evaluated: 2023-06-26. Review status: criteria provided, single submitter. Criteria: ACMG Guidelines, 2015. Collection method: clinical testing. Allele origin: germline. Inheritance: Autosomal dominant inheritance. Observed: 1 variant allele, 1 heterozygote.
Comment: This study involves interpretation of variants in research participants for the purpose of population health screening. Participant phenotype was not available at the time of variant classification. Additional details can be found in publication PMID: 35346344, PMCID: PMC8962531

NM_000548.5(TSC2):c.2628C>A (p.Thr876=)

Gene: TSC2 (TSC complex subunit 2; plus strand). Cytogenetic location: 16p13.3.
Variant type: single nucleotide variant.
Coding change: c.2628C>A on transcript NM_000548.5 (MANE Select); coding-DNA position 2628, C replaced by A.
Protein change: p.Thr876=; no amino-acid change (threonine 876 retained).
Molecular consequence: synonymous variant. On other transcripts: non-coding transcript variant (5).
Genome position (GRCh38, 1-based): chr16:2,075,881, C>A. VCF-style: chr16-2075881-C-A. GRCh37 (hg19) VCF-style: chr16-2125882-C-A.
Other names: p.Thr876=; c.2628C>A (NM_000548.4); c.2628C>A, p.Thr876= (NM_001077183.3, NM_001114382.3, NM_001363528.2 and 6 more transcripts); c.2517C>A, p.Thr839= (NM_001318827.2, NM_001406670.1, NM_001406678.1); c.2481C>A, p.Thr827= (NM_001318829.2, NM_001406675.1, NM_001406676.1 and 1 more transcripts); c.2028C>A, p.Thr676= (NM_001318831.2, NM_001406680.1, NM_001406682.1 and 6 more transcripts); c.2661C>A, p.Thr887= (NM_001318832.2); c.2718C>A, p.Thr906= (NM_001406667.1, NM_001406668.1); and 5 more.
Identifiers: ClinVar variation 1958938 (VCV001958938.8), dbSNP rs778678783, ClinGen allele CA492953507.